The following is an entry in ClinVar:

NM_152424.4(AMER1):c.2854C>A (p.Pro952Thr)

Gene: AMER1 (APC membrane recruitment protein 1; minus strand). Cytogenetic location: Xq11.2.
Variant type: single nucleotide variant.
Coding change: c.2854C>A on transcript NM_152424.4 (MANE Select); coding-DNA position 2854, C replaced by A.
Protein change: p.Pro952Thr; replaces proline 952 with threonine.
Molecular consequence: missense variant.
Genome position (GRCh38, 1-based): chrX:64,190,433, G>T on the plus strand (C>A on the coding strand, the complement: AMER1 is on the minus strand). VCF-style: chrX-64190433-G-T. GRCh37 (hg19) VCF-style: chrX-63410313-G-T.
Other names: short protein forms P952T.
Identifiers: ClinVar variation 4754890 (VCV004754890.1).
Genomic context (GRCh38, chrX:64,190,433, plus strand): 5'-GACCTGGCCCCACTGGAAGAGGACAGGGAGCCCAAGCAGGCCAATCATAGGCCCCTGGGG[G>T]TTCAGTATAGAGGGAAAGGGGACTGTCTCGGCTCCATTCTCCTTCTTCCTCCTCTTCGTC-3'
Protein context (NP_689637.3, residues 942-962): RDSPLSLYTE[Pro952Thr]PGAYDWPAWA

ClinVar aggregate classification (germline): Uncertain significance (1 of 4 stars; one submission).

Submission:

Labcorp Genetics (formerly Invitae), Labcorp
Classification: Uncertain significance. Last evaluated: 2025-09-27. Review status: criteria provided, single submitter. Criteria: Invitae Variant Classification Sherloc (09022015). Collection method: clinical testing. Allele origin: germline.
Comment: This sequence change replaces proline, which is neutral and non-polar, with threonine, which is neutral and polar, at codon 952 of the AMER1 protein (p.Pro952Thr). The frequency data for this variant in the population databases is considered unreliable, as metrics indicate poor data quality at this position in the gnomAD database. This variant has not been reported in the literature in individuals affected with AMER1-related conditions. An algorithm developed to predict the effect of missense changes on protein structure and function (PolyPhen-2) suggests that this variant is likely to be disruptive. In summary, the available evidence is currently insufficient to determine the role of this variant in disease. Therefore, it has been classified as a Variant of Uncertain Significance.